The following is an entry in ClinVar:

NM_001378454.1(ALMS1):c.11438C>G (p.Thr3813Ser)

Gene: ALMS1 (ALMS1 centrosome and basal body associated protein; plus strand). Cytogenetic location: 2p13.1.
Variant type: single nucleotide variant.
Coding change: c.11438C>G on transcript NM_001378454.1 (MANE Select); coding-DNA position 11438, C replaced by G.
Protein change: p.Thr3813Ser; replaces threonine 3813 with serine.
Molecular consequence: missense variant.
Genome position (GRCh38, 1-based): chr2:73,573,315, C>G. VCF-style: chr2-73573315-C-G. GRCh37 (hg19) VCF-style: chr2-73800442-C-G.
Other names: c.11441C>G, p.Thr3814Ser (NM_015120.4); short protein forms T3814S, T3813S.
Identifiers: ClinVar variation 1361880 (VCV001361880.3), dbSNP rs1183268252, ClinGen allele CA347289942.

ClinVar aggregate classification (germline): Uncertain significance (1 of 4 stars; one submission).

Conditions:
Alstrom syndrome (ALMS). Identifiers: Orphanet 64, MedGen C0268425, MONDO:0008763, OMIM 203800.

Allele frequency attached by ClinVar (database versions not stated): gnomAD exomes below 0.00001.

Submission:

Labcorp Genetics (formerly Invitae), Labcorp
Classification: Uncertain significance for Alstrom syndrome. Last evaluated: 2021-06-17. Review status: criteria provided, single submitter. Criteria: Invitae Variant Classification Sherloc (09022015). Collection method: clinical testing. Allele origin: germline.
Comment: This sequence change replaces threonine with serine at codon 3814 of the ALMS1 protein (p.Thr3814Ser). The threonine residue is moderately conserved and there is a small physicochemical difference between threonine and serine. This variant is not present in population databases (ExAC no frequency). This variant has not been reported in the literature in individuals with ALMS1-related conditions. Experimental studies and prediction algorithms are not available or were not evaluated, and the functional significance of this variant is currently unknown. In summary, the available evidence is currently insufficient to determine the role of this variant in disease. Therefore, it has been classified as a Variant of Uncertain Significance.